The following is an entry in ClinVar:

NM_014053.4(FLVCR1):c.*1609A>G

Gene: FLVCR1 (FLVCR choline and heme transporter 1; plus strand). Cytogenetic location: 1q32.3.
Variant type: single nucleotide variant.
Coding change: c.*1609A>G on transcript NM_014053.4 (MANE Select); 1609 bases downstream of the stop codon, A replaced by G.
Molecular consequence: 3 prime UTR variant.
Genome position (GRCh38, 1-based): chr1:212,896,899, A>G. VCF-style: chr1-212896899-A-G. GRCh37 (hg19) VCF-style: chr1-213070241-A-G.
Identifiers: ClinVar variation 295360 (VCV000295360.6), dbSNP rs12405742, ClinGen allele CA10609760.

ClinVar aggregate classification (germline): Benign. Review status: criteria provided, multiple submitters, no conflicts (2 of 4 stars). 2 submissions from 2 submitters: Benign (2). Last evaluated 2018-01-12.

Conditions:
Posterior column ataxia-retinitis pigmentosa syndrome (RETSNS). Also called: RETINOPATHY-SENSORY NEUROPATHY SYNDROME. Identifiers: Orphanet 88628, MedGen C1836916, MONDO:0012177, OMIM 609033.

Allele frequency attached by ClinVar (database versions not stated): gnomAD exomes 0.47059; 1000 Genomes Project 30x 0.63523; 1000 Genomes Project 0.65795; gnomAD 0.61336 and 0.59824; TOPMed 0.60445.
gnomAD v4.1: 76,758 of 124,822 alleles (61%); highest among the groups gnomAD compares: East Asian, 92%; 26,157 homozygotes.

Submissions (2):

Illumina Laboratory Services, Illumina
Classification: Benign for Posterior column ataxia-retinitis pigmentosa syndrome. Last evaluated: 2018-01-12. Review status: criteria provided, single submitter. Criteria: ICSL Variant Classification Criteria 13 December 2019. Collection method: clinical testing. Allele origin: germline.
Comment: This variant was observed in the ICSL laboratory as part of a predisposition screen in an ostensibly healthy population. It had not been previously curated by ICSL or reported in the Human Gene Mutation Database (HGMD: prior to June 1st, 2018), and was therefore a candidate for classification through an automated scoring system. Utilizing variant allele frequency, disease prevalence and penetrance estimates, and inheritance mode, an automated score was calculated to assess if this variant is too frequent to cause the disease. Based on the score and internal cut-off values, a variant classified as benign is not then subjected to further curation. The score for this variant resulted in a classification of benign for this disease.

Breakthrough Genomics
Classification: Benign. Review status: criteria provided, single submitter. Criteria: ACMG Guidelines, 2015. Collection method: not provided. Allele origin: germline. Inheritance: Autosomal recessive inheritance. Affected: yes.